The following is an entry in ClinVar:

NM_005236.3(ERCC4):c.19G>A (p.Ala7Thr)

Genes: ERCC4 (ERCC excision repair 4, endonuclease catalytic subunit; plus strand), LOC130058543 (ATAC-STARR-seq lymphoblastoid active region 10486; plus strand). Cytogenetic location: 16p13.12.
Variant type: single nucleotide variant.
Coding change: c.19G>A on transcript NM_005236.3 (MANE Select); coding-DNA position 19, G replaced by A.
Protein change: p.Ala7Thr; replaces alanine 7 with threonine.
Molecular consequence: missense variant.
Genome position (GRCh38, 1-based): chr16:13,920,184, G>A. VCF-style: chr16-13920184-G-A. GRCh37 (hg19) VCF-style: chr16-14014041-G-A.
Other names: short protein forms A7T.
Identifiers: ClinVar variation 568412 (VCV000568412.11), dbSNP rs771117594, ClinGen allele CA7910062.
Genomic context (GRCh38, chr16:13,920,184, plus strand): 5'-GCTTCCTTCGGCTGCGTTCGGCTGCGACCCGGAAGAGCTTCCATGGAGTCAGGGCAGCCG[G>A]CTCGACGGATTGCCATGGCGCCGCTGCTGGAGTACGAGCGACAGCTGGTGCTGGAACTGC-3'
Protein context (NP_005227.1, residues 1-17): MESGQP[Ala7Thr]RRIAMAPLLE

ClinVar aggregate classification (germline): Uncertain significance. Review status: criteria provided, multiple submitters, no conflicts (2 of 4 stars). 2 submissions from 2 submitters: Uncertain significance (2). Last evaluated 2024-12-04.

Conditions:
Cockayne syndrome. Identifiers: Orphanet 191, MedGen C0009207, MONDO:0016006.
Xeroderma pigmentosum, group F (XPF). Also called: ERCC4-Related Xeroderma Pigmentosum; XERODERMA PIGMENTOSUM, COMPLEMENTATION GROUP F; XERODERMA PIGMENTOSUM VI; XP, GROUP F; XERODERMA PIGMENTOSUM, TYPE F; Xeroderma pigmentosum, type 6. Identifiers: MedGen C0268140, MONDO:0010215, OMIM 278760.
Fanconi anemia complementation group Q. Identifiers: Orphanet 84, MedGen C3808988, MONDO:0014108, OMIM 615272.
Inborn genetic diseases. Identifiers: MedGen C0950123, MeSH D030342.

Allele frequency attached by ClinVar (database versions not stated): gnomAD below 0.00001 and 0.00001; ExAC 0.00003; gnomAD exomes 0.00005 and 0.00002; TOPMed 0.00001.

Submissions (2):

Ambry Genetics
Classification: Uncertain significance for Inborn genetic diseases. Last evaluated: 2024-12-04. Review status: criteria provided, single submitter. Criteria: Ambry Variant Classification Scheme 2023. Collection method: clinical testing. Allele origin: germline.

Labcorp Genetics (formerly Invitae), Labcorp
Classification: Uncertain significance for Fanconi anemia complementation group Q; Xeroderma pigmentosum, group F; Cockayne syndrome. Last evaluated: 2022-09-28. Review status: criteria provided, single submitter. Criteria: Invitae Variant Classification Sherloc (09022015). Collection method: clinical testing. Allele origin: germline.
Comment: In summary, the available evidence is currently insufficient to determine the role of this variant in disease. Therefore, it has been classified as a Variant of Uncertain Significance. Algorithms developed to predict the effect of missense changes on protein structure and function (SIFT, PolyPhen-2, Align-GVGD) all suggest that this variant is likely to be tolerated. ClinVar contains an entry for this variant (Variation ID: 568412). This variant has not been reported in the literature in individuals affected with ERCC4-related conditions. This variant is present in population databases (rs771117594, gnomAD 0.04%). This sequence change replaces alanine, which is neutral and non-polar, with threonine, which is neutral and polar, at codon 7 of the ERCC4 protein (p.Ala7Thr).